The following is an entry in ClinVar:

NM_024408.4(NOTCH2):c.859C>G (p.Pro287Ala)

Gene: NOTCH2 (notch receptor 2; minus strand). Cytogenetic location: 1p12.
Variant type: single nucleotide variant.
Coding change: c.859C>G on transcript NM_024408.4 (MANE Select); coding-DNA position 859, C replaced by G.
Protein change: p.Pro287Ala; replaces proline 287 with alanine.
Molecular consequence: missense variant.
Genome position (GRCh38, 1-based): chr1:119,986,975, G>C on the plus strand (C>G on the coding strand, the complement: NOTCH2 is on the minus strand). VCF-style: chr1-119986975-G-C. GRCh37 (hg19) VCF-style: chr1-120529598-G-C.
Other names: c.859C>G, p.Pro287Ala (NM_001200001.2); c.859C>G (NM_024408.3); short protein forms P287A.
Identifiers: ClinVar variation 2156020 (VCV002156020.6), dbSNP rs372964061, ClinGen allele CA1040662.
Genomic context (GRCh38, chr1:119,986,975, plus strand): 5'-ACCAATCCATATCCCATTCTGGTGGATTCTCCACACTGTACATACCTGTCCATTGTGGGG[G>C]ACAGCGGCAGTTGTAAGTGTTGACCCCATCCACACAAACCCCTCCATTCTGACACCTGTG-3'
Protein context (NP_077719.2, residues 277-297): DGVNTYNCRC[Pro287Ala]PQWTGQFCTE

ClinVar aggregate classification (germline): Uncertain significance. Review status: criteria provided, multiple submitters, no conflicts (2 of 4 stars). 3 submissions from 3 submitters: Uncertain significance (3). Last evaluated 2024-02-23.

Conditions:
Hajdu-Cheney syndrome (HJCYS). Also called: SERPENTINE FIBULA-POLYCYSTIC KIDNEY SYNDROME; ACROOSTEOLYSIS WITH OSTEOPOROSIS AND CHANGES IN SKULL AND MANDIBLE; Acroosteolysis dominant type. Identifiers: Orphanet 955, MedGen C0917715, MONDO:0007057, OMIM 102500.
Inborn genetic diseases. Identifiers: MedGen C0950123, MeSH D030342.

Allele frequency attached by ClinVar (database versions not stated): gnomAD 0.00001; ExAC 0.00002; ESP Exome Variant Server 0.00008.

Submissions (3):

Labcorp Genetics (formerly Invitae), Labcorp
Classification: Uncertain significance for Hajdu-Cheney syndrome. Last evaluated: 2024-02-23. Review status: criteria provided, single submitter. Criteria: Invitae Variant Classification Sherloc (09022015). Collection method: clinical testing. Allele origin: germline.
Comment: This sequence change replaces proline, which is neutral and non-polar, with alanine, which is neutral and non-polar, at codon 287 of the NOTCH2 protein (p.Pro287Ala). This variant is present in population databases (rs372964061, gnomAD 0.004%). This variant has not been reported in the literature in individuals affected with NOTCH2-related conditions. ClinVar contains an entry for this variant (Variation ID: 2156020). Advanced modeling of protein sequence and biophysical properties (such as structural, functional, and spatial information, amino acid conservation, physicochemical variation, residue mobility, and thermodynamic stability) performed at Invitae indicates that this missense variant is not expected to disrupt NOTCH2 protein function with a negative predictive value of 95%. In summary, the available evidence is currently insufficient to determine the role of this variant in disease. Therefore, it has been classified as a Variant of Uncertain Significance.

Ambry Genetics
Classification: Uncertain significance for Inborn genetic diseases. Last evaluated: 2024-01-03. Review status: criteria provided, single submitter. Criteria: Ambry Variant Classification Scheme 2023. Collection method: clinical testing. Allele origin: germline.

Blueprint Genetics
Classification: Uncertain significance. Last evaluated: 2023-05-09. Review status: criteria provided, single submitter. Criteria: ACMG Guidelines, 2015. Collection method: clinical testing. Allele origin: germline.